The following is an entry in ClinVar:

ClinVar aggregate classification (germline): Uncertain significance (1 of 4 stars; one submission).

Conditions:
MCCC1-related disorder. Also called: MCCC1-related condition.

gnomAD v4.1: 4 of 1,614,092 alleles (0.00025%); highest among the groups gnomAD compares: African/African-American, 0.004%; no homozygotes.

Submission:

PreventionGenetics, part of Exact Sciences
Classification: Uncertain significance for MCCC1-related condition. Last evaluated: 2025-01-23. Review status: criteria provided, single submitter. Criteria: ACMG Guidelines, 2015. Collection method: clinical testing. Allele origin: germline.
Comment: The MCCC1 c.259A>G variant is predicted to result in the amino acid substitution p.Met87Val. To our knowledge, this variant has not been reported in the literature. This variant is reported in 0.023% of alleles in individuals of African descent in gnomAD. At this time, the clinical significance of this variant is uncertain due to the absence of conclusive functional and genetic evidence.

NM_020166.5(MCCC1):c.259A>G (p.Met87Val)

Gene: MCCC1 (methylcrotonyl-CoA carboxylase subunit 1; minus strand). Cytogenetic location: 3q27.1.
Variant type: single nucleotide variant.
Coding change: c.259A>G on transcript NM_020166.5 (MANE Select); coding-DNA position 259, A replaced by G.
Protein change: p.Met87Val; replaces methionine 87 with valine.
Molecular consequence: missense variant. On other transcripts: non-coding transcript variant (1), intron variant (2).
Genome position (GRCh38, 1-based): chr3:183,092,423, T>C on the plus strand (A>G on the coding strand, the complement: MCCC1 is on the minus strand). VCF-style: chr3-183092423-T-C. GRCh37 (hg19) VCF-style: chr3-182810211-T-C.
Other names: c.-55+2136A>G (NM_001363880.1); c.44+2136A>G (NM_001293273.2); short protein forms M87V.
Identifiers: ClinVar variation 4988456 (VCV004988456.1).